The following is an entry in ClinVar:

NM_005245.4(FAT1):c.11392C>G (p.Pro3798Ala)

Gene: FAT1 (FAT atypical cadherin 1; minus strand). Cytogenetic location: 4q35.2.
Variant type: single nucleotide variant.
Coding change: c.11392C>G on transcript NM_005245.4 (MANE Select); coding-DNA position 11392, C replaced by G.
Protein change: p.Pro3798Ala; replaces proline 3798 with alanine.
Molecular consequence: missense variant.
Genome position (GRCh38, 1-based): chr4:186,602,993, G>C on the plus strand (C>G on the coding strand, the complement: FAT1 is on the minus strand). VCF-style: chr4-186602993-G-C. GRCh37 (hg19) VCF-style: chr4-187524147-G-C.
Other names: short protein forms P3798A.
Identifiers: ClinVar variation 2628729 (VCV002628729.1), dbSNP rs1249944132, ClinGen allele CA358972878.

ClinVar aggregate classification (germline): Uncertain significance (1 of 4 stars; one submission).

Conditions:
FAT1-related disorder. Also called: FAT1-related condition.

Allele frequency attached by ClinVar (database versions not stated): gnomAD exomes 0.00001.
gnomAD v4.1: 3 of 1,613,966 alleles (0.00019%); highest among the groups gnomAD compares: Non-Finnish European, 0.00025%; no homozygotes.

Submission:

PreventionGenetics, part of Exact Sciences
Classification: Uncertain significance for FAT1-related condition. Last evaluated: 2022-11-10. Review status: criteria provided, single submitter. Criteria: ACMG Guidelines, 2015. Collection method: clinical testing. Allele origin: germline.
Comment: The FAT1 c.11392C>G variant is predicted to result in the amino acid substitution p.Pro3798Ala. To our knowledge, this variant has not been reported in the literature. This variant is reported in 0.00088% of alleles in individuals of European (Non-Finnish) descent in gnomAD. At this time, the clinical significance of this variant is uncertain due to the absence of conclusive functional and genetic evidence.